The following is an entry in ClinVar:

ClinVar aggregate classification (germline): Uncertain significance (1 of 4 stars; one submission).

Allele frequency attached by ClinVar (database versions not stated): gnomAD exomes below 0.00001; ExAC 0.00001; gnomAD 0.00002; TOPMed 0.00002.
gnomAD v4.1: 7 of 1,612,148 alleles (0.00043%); highest among the groups gnomAD compares: African/African-American, 0.004%; no homozygotes.

Submission:

Labcorp Genetics (formerly Invitae), Labcorp
Classification: Uncertain significance. Last evaluated: 2025-12-15. Review status: criteria provided, single submitter. Criteria: Invitae Variant Classification Sherloc (09022015). Collection method: clinical testing. Allele origin: germline.
Comment: This sequence change replaces proline, which is neutral and non-polar, with serine, which is neutral and polar, at codon 702 of the SLC44A4 protein (p.Pro702Ser). This variant is present in population databases (rs748155512, gnomAD 0.01%). This variant has not been reported in the literature in individuals affected with SLC44A4-related conditions. ClinVar contains an entry for this variant (Variation ID: 1918261). An algorithm developed to predict the effect of missense changes on protein structure and function (PolyPhen-2) suggests that this variant is likely to be tolerated. In summary, the available evidence is currently insufficient to determine the role of this variant in disease. Therefore, it has been classified as a Variant of Uncertain Significance.

NM_025257.3(SLC44A4):c.2104C>T (p.Pro702Ser)

Gene: SLC44A4 (solute carrier family 44 member 4; minus strand). Cytogenetic location: 6p21.33.
Variant type: single nucleotide variant.
Coding change: c.2104C>T on transcript NM_025257.3 (MANE Select); coding-DNA position 2104, C replaced by T.
Protein change: p.Pro702Ser; replaces proline 702 with serine.
Molecular consequence: missense variant.
Genome position (GRCh38, 1-based): chr6:31,863,656, G>A on the plus strand (C>T on the coding strand, the complement: SLC44A4 is on the minus strand). VCF-style: chr6-31863656-G-A. GRCh37 (hg19) VCF-style: chr6-31831433-G-A.
Other names: c.1978C>T, p.Pro660Ser (NM_001178044.2); c.1876C>T, p.Pro626Ser (NM_001178045.2); c.2104C>T, p.Pro702Ser (NM_032794.1); short protein forms P702S, P660S, P626S.
Identifiers: ClinVar variation 1918261 (VCV001918261.5), dbSNP rs748155512, ClinGen allele CA3725150.
Genomic context (GRCh38, chr6:31,863,656, plus strand): 5'-GGGGTGCAGTCCTGGATCAGGGCCGGAGCTGTCACTTCTTCCTCTTCTTGTTGTCCGGGG[G>A]CGCCTCGTTCTTCTTGCCCAGAATCTTTAGAAGGCTCTTGGACATGTAGTAGGGCCGGTC-3'
Protein context (NP_079533.2, residues 692-710): LKILGKKNEA[Pro702Ser]PDNKKRKK